The following is an entry in ClinVar:

NM_000138.5(FBN1):c.3018_3033del (p.Glu1006fs)

Gene: FBN1 (fibrillin 1; minus strand). Cytogenetic location: 15q21.1.
Variant type: Deletion.
Coding change: c.3018_3033del on transcript NM_000138.5 (MANE Select); coding-DNA positions 3018 to 3033, 16 bases deleted (GCTGTGTCCGAGAGGA).
Protein change: p.Glu1006fs; shifts the reading frame from glutamic acid 1006.
Molecular consequence: frameshift variant.
Genome position (GRCh38, 1-based): chr15:48,489,900-48,489,915, TCCTCTCGGACACAGC deleted on the plus strand (GCTGTGTCCGAGAGGA on the coding strand, the reverse complement: FBN1 is on the minus strand); deleting any 16 consecutive bases within chr15:48,489,900-48,489,920 gives the same sequence; the c. name uses the placement nearest the transcript's 3' end. VCF-style (leftmost placement, unchanged base first): chr15-48489899-GTCCTCTCGGACACAGC-G. GRCh37 (hg19) VCF-style: chr15-48782096-GTCCTCTCGGACACAGC-G.
Other names: c.3018_3033del, p.Glu1006fs (NM_001406716.1); short protein forms E1006fs.
Identifiers: ClinVar variation 3754246 (VCV003754246.2).
Genomic context (GRCh38, chr15:48,489,899, plus strand): 5'-GTAACATTGTACCTTTGAAGAAAGGCTTTCCATTTGTAATTTCTTTTGTGGCAAATCCGG[GTCCTCTCGGACACAGC>G]TCCTCGTACTCAGGAGTATTTCTCATGGGACACTCCTCGCATTCCTCAGTACCCCAGGCT-3'

ClinVar aggregate classification (germline): Pathogenic (1 of 4 stars; one submission).

Conditions:
Marfan syndrome (MFS). Also called: MARFAN SYNDROME, TYPE I; Marfan syndrome type 1; Marfan's syndrome; Marfan syndrome, classic; FBN1-Related Marfan Syndrome. Identifiers: Orphanet 284963, Orphanet 558, MedGen C0024796, MONDO:0007947, OMIM 154700.
Familial thoracic aortic aneurysm and aortic dissection (TAAD). Also called: Thoracic aortic aneurysms and dissections. Identifiers: Orphanet 91387, MedGen C4707243, MONDO:0019625.

Submission:

Labcorp Genetics (formerly Invitae), Labcorp
Classification: Pathogenic for Marfan syndrome; Familial thoracic aortic aneurysm and aortic dissection. Last evaluated: 2024-01-29. Review status: criteria provided, single submitter. Criteria: Invitae Variant Classification Sherloc (09022015). Collection method: clinical testing. Allele origin: germline.
Comment: This sequence change creates a premature translational stop signal (p.Glu1006Aspfs*24) in the FBN1 gene. It is expected to result in an absent or disrupted protein product. Loss-of-function variants in FBN1 are known to be pathogenic (PMID: 17657824, 19293843). This variant is not present in population databases (gnomAD no frequency). This variant has not been reported in the literature in individuals affected with FBN1-related conditions. For these reasons, this variant has been classified as Pathogenic.

Literature cited by the submitters: PubMed 17657824; PubMed 19293843.